The following is an entry in ClinVar:

NC_000023.10:g.(?_31947693)_(31986651_?)del

Gene: DMD (dystrophin; minus strand). Cytogenetic location: Xp21.1.
Variant type: Deletion.
Identifiers: ClinVar variation 455823 (VCV000455823.8).

ClinVar aggregate classification (germline): Pathogenic (1 of 4 stars; one submission).

Conditions:
Duchenne muscular dystrophy (DMD). Also called: MUSCULAR DYSTROPHY, PSEUDOHYPERTROPHIC PROGRESSIVE, DUCHENNE TYPE; Duchenne Muscular Dystrophy (DMD). Identifiers: Orphanet 98896, MedGen C0013264, MONDO:0010679, OMIM 310200.

Submission:

Labcorp Genetics (formerly Invitae), Labcorp
Classification: Pathogenic for Duchenne muscular dystrophy. Last evaluated: 2024-01-29. Review status: criteria provided, single submitter. Criteria: Invitae Variant Classification Sherloc (09022015). Collection method: clinical testing. Allele origin: germline.
Comment: This variant is a gross deletion of the genomic region encompassing exon(s) 45-47 of the DMD gene. This variant would be expected to be in-frame, preserving the integrity of the reading frame. A similar copy number variant has been observed in individuals with dilated cardiomyopathy and Duchenne or Becker muscular dystrophy (PMID: 2063877, 11257468, 16566881, 19449031, 21851881, 22090376). For these reasons, this variant has been classified as Pathogenic.

Literature cited by the submitters: PubMed 2063877; PubMed 11257468; PubMed 16566881; PubMed 19449031; PubMed 21851881; PubMed 22090376.